The following is an entry in ClinVar:

ClinVar aggregate classification (germline): Uncertain significance (1 of 4 stars; one submission).

Conditions:
Dyskeratosis congenita. Identifiers: Orphanet 1775, MedGen C0265965, MONDO:0015780.

gnomAD v4.1: 1 of 1,582,670 alleles (0.000063%); highest among the groups gnomAD compares: South Asian, 0.0011%; no homozygotes.

Submission:

Ambry Genetics
Classification: Uncertain significance for Dyskeratosis congenita. Last evaluated: 2022-05-07. Review status: criteria provided, single submitter. Criteria: Ambry Variant Classification Scheme 2023. Collection method: clinical testing. Allele origin: germline.
Comment: The p.G463R variant (also known as c.1387G>C), located in coding exon 2 of the TERT gene, results from a G to C substitution at nucleotide position 1387. The glycine at codon 463 is replaced by arginine, an amino acid with dissimilar properties. This amino acid position is conserved. In addition, this alteration is predicted to be tolerated by in silico analysis. Since supporting evidence is limited at this time, the clinical significance of this alteration remains unclear.

NM_198253.3(TERT):c.1387G>C (p.Gly463Arg)

Gene: TERT (telomerase reverse transcriptase; minus strand). Cytogenetic location: 5p15.33.
Variant type: single nucleotide variant.
Coding change: c.1387G>C on transcript NM_198253.3 (MANE Select); coding-DNA position 1387, G replaced by C.
Protein change: p.Gly463Arg; replaces glycine 463 with arginine.
Molecular consequence: missense variant. On other transcripts: non-coding transcript variant (2).
Genome position (GRCh38, 1-based): chr5:1,293,499, C>G on the plus strand (G>C on the coding strand, the complement: TERT is on the minus strand). VCF-style: chr5-1293499-C-G. GRCh37 (hg19) VCF-style: chr5-1293614-C-G.
Other names: c.1387G>C, p.Gly463Arg (NM_001193376.3, NM_003219.1); short protein forms G463R.
Identifiers: ClinVar variation 1771440 (VCV001771440.2), dbSNP rs1751127777, ClinGen allele CA359085857.